The following is an entry in ClinVar:

ClinVar aggregate classification (germline): Uncertain significance (1 of 4 stars; one submission).

Conditions:
Hypercholesterolemia, autosomal dominant, 3 (FHCL3). Also called: PCSK9-Related Familial Hypercholesterolemia, Autosomal Dominant; Familial Hypercholesterolemia, Autosomal Dominant, 3; Familial hypercholesterolemia 3. Identifiers: MedGen C1863551, MONDO:0011369, OMIM 603776.

Submission:

All of Us Research Program, National Institutes of Health
Classification: Uncertain significance for Hypercholesterolemia, autosomal dominant, 3. Last evaluated: 2023-03-09. Review status: criteria provided, single submitter. Criteria: ACMG Guidelines, 2015. Collection method: clinical testing. Allele origin: germline. Inheritance: Autosomal dominant inheritance. Observed: 1 variant allele, 1 heterozygote.
Comment: This missense variant replaces proline with serine at codon 288 of the PCSK9 protein. Computational prediction suggests that this variant may not impact protein structure and function (internally defined REVEL score threshold <= 0.5, PMID: 27666373). To our knowledge, functional studies have not been reported for this variant. This variant has not been reported in individuals affected with PCSK9-related disorders in the literature. This variant has not been identified in the general population by the Genome Aggregation Database (gnomAD). The available evidence is insufficient to determine the role of this variant in disease conclusively. Therefore, this variant is classified as a Variant of Uncertain Significance.

This study involves interpretation of variants in research participants for the purpose of population health screening. Participant phenotype was not available at the time of variant classification. Additional details can be found in publication PMID: 35346344, PMCID: PMC8962531

NM_174936.4(PCSK9):c.862C>T (p.Pro288Ser)

Gene: PCSK9 (proprotein convertase subtilisin/kexin type 9; plus strand). Cytogenetic location: 1p32.3.
Variant type: single nucleotide variant.
Coding change: c.862C>T on transcript NM_174936.4 (MANE Select); coding-DNA position 862, C replaced by T.
Protein change: p.Pro288Ser; replaces proline 288 with serine.
Molecular consequence: missense variant. On other transcripts: non-coding transcript variant (8).
Genome position (GRCh38, 1-based): chr1:55,056,055, C>T. VCF-style: chr1-55056055-C-T. GRCh37 (hg19) VCF-style: chr1-55521728-C-T.
Other names: c.985C>T, p.Pro329Ser (NM_001407240.1); c.862C>T, p.Pro288Ser (NM_001407241.1, NM_001407244.1, NM_001407247.1); c.865C>T, p.Pro289Ser (NM_001407242.1); c.805C>T, p.Pro269Ser (NM_001407243.1); c.670C>T, p.Pro224Ser (NM_001407245.1); c.487C>T, p.Pro163Ser (NM_001407246.1); short protein forms P163S, P224S, P269S, P288S, P289S, P329S.
Identifiers: ClinVar variation 3069824 (VCV003069824.1), dbSNP rs1284837929, ClinGen allele CA340474516.